The following is an entry in ClinVar:

NR_003051.4(RMRP):n.97G>A

Gene: RMRP (RNA component of mitochondrial RNA processing endoribonuclease; minus strand). Cytogenetic location: 9p13.3.
Variant type: single nucleotide variant.
Genome position: GRCh38 VCF-style: chr9-35657923-C-T. GRCh37 (hg19) VCF-style: chr9-35657920-C-T.
Identifiers: ClinVar variation 565846 (VCV000565846.5), dbSNP rs970510851, ClinGen allele CA464450811.

ClinVar aggregate classification (germline): Uncertain significance. Review status: criteria provided, multiple submitters, no conflicts (2 of 4 stars). 3 submissions from 3 submitters: Uncertain significance (2). 1 of the submissions does not count toward it. Last evaluated 2022-04-25.

Conditions:
Metaphyseal chondrodysplasia, McKusick type (CHH). Also called: Cartilage-hair hypoplasia; Cartilage-Hair Hypoplasia (CHH). Identifiers: Orphanet 175, MedGen C0220748, MONDO:0009595, OMIM 250250.
Anauxetic dysplasia 1 (ANXD1). Also called: Anauxetic Dysplasia (AD). Identifiers: Orphanet 93347, MedGen C4551965, MONDO:0054560, OMIM 607095.
Metaphyseal dysplasia without hypotrichosis. Also called: CARTILAGE-HAIR HYPOPLASIA VARIANT, SKELETAL MANIFESTATIONS ONLY; CARTILAGE-HAIR HYPOPLASIA-LIKE SKELETAL DYSPLASIA WITHOUT HYPOTRICHOSIS OR IMMUNODEFICIENCY; Metaphyseal Dysplasia without Hypotrichosis (MDWH). Identifiers: MedGen C1834821, MONDO:0009601, OMIM 250460.
Anauxetic dysplasia. Identifiers: Orphanet 93347, MedGen C1846796, MONDO:0011773.

Allele frequency attached by ClinVar (database versions not stated): gnomAD exomes 0.00001; TOPMed 0.00001.
gnomAD v4.1: 12 of 700,336 alleles (0.0017%); highest among the groups gnomAD compares: Non-Finnish European, 0.0021%; no homozygotes.

Submissions (3):

Fulgent Genetics
Classification: Uncertain significance for Metaphyseal chondrodysplasia, McKusick type; Metaphyseal dysplasia without hypotrichosis; Anauxetic dysplasia 1. Last evaluated: 2022-04-25. Review status: criteria provided, single submitter. Criteria: ACMG Guidelines, 2015. Collection method: clinical testing. Allele origin: unknown.

Labcorp Genetics (formerly Invitae), Labcorp
Classification: Uncertain significance for Anauxetic dysplasia. Last evaluated: 2021-06-05. Review status: criteria provided, single submitter. Criteria: Invitae Variant Classification Sherloc (09022015). Collection method: clinical testing. Allele origin: germline.
Comment: This variant occurs in the RMRP gene, which encodes an RNA molecule that does not result in a protein product. The frequency data for this variant in the population databases is considered unreliable, as metrics indicate insufficient coverage at this position in the ExAC database. This variant has not been reported in the literature in individuals with RMRP-related conditions. ClinVar contains an entry for this variant (Variation ID: 565846). Experimental studies and prediction algorithms are not available for this variant, and the functional significance of this non-coding change is currently unknown. In summary, the available evidence is currently insufficient to determine the role of this variant in disease. Therefore, it has been classified as a Variant of Uncertain Significance.

Natera, Inc.
Classification: Uncertain significance for Cartilage-hair hypoplasia. Last evaluated: 2020-02-10. Review status: no assertion criteria provided. Collection method: clinical testing. Allele origin: germline. Not counted in ClinVar's aggregate classification.